The following is an entry in ClinVar:

ClinVar aggregate classification (germline): Uncertain significance (0 of 4 stars; one submission).

Conditions:
LEPR-related disorder. Also called: LEPR-related condition; LEPR-related disorders.

Submission:

PreventionGenetics, part of Exact Sciences
Classification: Uncertain significance for LEPR-related condition. Last evaluated: 2024-05-10. Review status: no assertion criteria provided. Collection method: clinical testing. Allele origin: germline.
Comment: The LEPR c.3134A>G variant is predicted to result in the amino acid substitution p.Asn1045Ser. This variant was observed in a cohort of individuals with obesity, and in vitro functional studies showed function similar to wild-type levels (Supplemental Data Set, Shah et al. 2023. PubMed ID: 36864747).To our knowledge, this variant has not been reported in gnomAD, indicating this variant is rare. At this time, the clinical significance of this variant is uncertain due to the absence of conclusive functional and genetic evidence.

NM_002303.6(LEPR):c.3134A>G (p.Asn1045Ser)

Gene: LEPR (leptin receptor; plus strand). Cytogenetic location: 1p31.3.
Variant type: single nucleotide variant.
Coding change: c.3134A>G on transcript NM_002303.6 (MANE Select); coding-DNA position 3134, A replaced by G.
Protein change: p.Asn1045Ser; replaces asparagine 1045 with serine.
Molecular consequence: missense variant.
Genome position (GRCh38, 1-based): chr1:65,636,651, A>G. VCF-style: chr1-65636651-A-G. GRCh37 (hg19) VCF-style: chr1-66102334-A-G.
Other names: short protein forms N1045S.
Identifiers: ClinVar variation 3357032 (VCV003357032.1).